The following is an entry in ClinVar:

ClinVar aggregate classification (germline): Pathogenic (1 of 4 stars; one submission).

Submission:

Quest Diagnostics Nichols Institute San Juan Capistrano
Classification: Pathogenic. Last evaluated: 2022-07-12. Review status: criteria provided, single submitter. Criteria: ACMG/ClinGen CNV Guidelines, 2019. Collection method: clinical testing. Allele origin: unknown.
Comment: The copy number loss of Xq25 involves exons 2-5 (NM_001042749.2) of STAG2 (OMIM 300826). Loss-of-function variants of STAG2 are associated with X-linked cohesinopathies, such as holoprosencephaly 13 (HPE13; OMIM 301043, Cratsenberg 2021) and Mullegama-Klein-Martinez syndrome (MKMS; OMIM 301022) in females, with potential incomplete penetrance (Freyberger 2021, Kruszka 2019). Loss-of-function variants in STAG2 are suggested to be embryonically lethal in males (Aoi 2020, Cratsenberg 2021, Kruszka 2019, Martin 2021). There are no similar copy number losses of this region in the general populations of the Database of Genomic Variants. Thus, based on current medical literature and gene content, this copy number variant (CNV) is interpreted as pathogenic. References:_x000D__x000D_ Aoi et al., Hum Genome Var. 2020 Sep 18;7:26. PMID: 33014403_x000D__x000D_ Cratsenberg et al., Clin Dysmorphol. 2021 Jul 1;30(3):159-163. PMID: 33758131_x000D__x000D_ Kruszka et al., Brain. 2019 Sep 1;142(9):2631-2643. PMID: 31334757_x000D__x000D_ Martin et al., Nat Commun. 2021 Jan 27;12(1):627. PMID: 33504798

GRCh37/hg19 Xq25(chrX:123118140-123166691)x1

Gene: STAG2 (STAG2 cohesin complex component; plus strand). Cytogenetic location: Xq25.
Variant type: copy number loss.
Change: copy number 1 of chrX:123,118,140-123,166,691 (48.6 kb, GRCh37 coordinates, 1-based), cytogenetic band Xq25.
Identifiers: ClinVar variation 2685719 (VCV002685719.1).